The following is an entry in ClinVar:

NM_015958.3(DPH5):c.157T>C (p.Leu53=)

Gene: DPH5 (diphthamide biosynthesis 5; minus strand). Cytogenetic location: 1p21.2.
Variant type: single nucleotide variant.
Coding change: c.157T>C on transcript NM_015958.3 (MANE Select); coding-DNA position 157, T replaced by C.
Protein change: p.Leu53=; no amino-acid change (leucine 53 retained).
Molecular consequence: synonymous variant.
Genome position (GRCh38, 1-based): chr1:101,021,744, A>G on the plus strand (T>C on the coding strand, the complement: DPH5 is on the minus strand). VCF-style: chr1-101021744-A-G. GRCh37 (hg19) VCF-style: chr1-101487300-A-G.
Other names: c.157T>C, p.Leu53= (NM_001077394.2, NM_001077395.2).
Identifiers: ClinVar variation 4875354 (VCV004875354.2).

ClinVar aggregate classification (germline): Likely benign (1 of 4 stars; one submission).

gnomAD v4.1: 1 of 1,612,204 alleles (0.000062%); highest among the groups gnomAD compares: African/African-American, 0.0013%; no homozygotes.

Submission:

CeGaT Center for Human Genetics Tuebingen
Classification: Likely benign. Last evaluated: 2026-06-01. Review status: criteria provided, single submitter. Criteria: CeGaT Center For Human Genetics Tuebingen Variant Classification Criteria Version 2. Collection method: clinical testing. Allele origin: germline. Affected: yes. Observed: 1 variant allele.
Comment: DPH5: BP4, BP7